The following is an entry in ClinVar:

ClinVar aggregate classification (germline): Uncertain significance (1 of 4 stars; one submission).

gnomAD v4.1: 1 of 1,613,994 alleles (0.000062%); highest among the groups gnomAD compares: Non-Finnish European, 0.000085%; no homozygotes.

Submission:

Labcorp Genetics (formerly Invitae), Labcorp
Classification: Uncertain significance. Last evaluated: 2021-10-21. Review status: criteria provided, single submitter. Criteria: Invitae Variant Classification Sherloc (09022015). Collection method: clinical testing. Allele origin: germline.
Comment: In summary, the available evidence is currently insufficient to determine the role of this variant in disease. Therefore, it has been classified as a Variant of Uncertain Significance. This sequence change replaces isoleucine with valine at codon 323 of the ADGRV1 protein (p.Ile323Val). The isoleucine residue is weakly conserved and there is a small physicochemical difference between isoleucine and valine. This variant is not present in population databases (ExAC no frequency). This variant has not been reported in the literature in individuals affected with ADGRV1-related conditions. Algorithms developed to predict the effect of missense changes on protein structure and function (SIFT, PolyPhen-2, Align-GVGD) all suggest that this variant is likely to be tolerated.

NM_032119.4(ADGRV1):c.967A>G (p.Ile323Val)

Gene: ADGRV1 (adhesion G protein-coupled receptor V1; plus strand). Cytogenetic location: 5q14.3.
Variant type: single nucleotide variant.
Coding change: c.967A>G on transcript NM_032119.4 (MANE Select); coding-DNA position 967, A replaced by G.
Protein change: p.Ile323Val; replaces isoleucine 323 with valine.
Molecular consequence: missense variant. On other transcripts: non-coding transcript variant (1).
Genome position (GRCh38, 1-based): chr5:90,627,505, A>G. VCF-style: chr5-90627505-A-G. GRCh37 (hg19) VCF-style: chr5-89923322-A-G.
Other names: short protein forms I323V.
Identifiers: ClinVar variation 1373775 (VCV001373775.6), dbSNP rs1764922058, ClinGen allele CA360368399.